The following is an entry in ClinVar:

ClinVar aggregate classification (germline): Pathogenic. Review status: no assertion criteria provided (0 of 4 stars). 2 submissions from 2 submitters: Pathogenic (2). Last evaluated 2014-05-01.

Conditions:
Hyper-IgE syndrome. Also called: Hyper-IgE recurrent infection syndrome. Identifiers: Orphanet 331223, MedGen C3887645, MONDO:0018037.
Immunodeficiency 23 (IMD23). Also called: IMMUNODEFICIENCY WITH HYPER IgE AND COGNITIVE IMPAIRMENT; IMMUNODEFICIENCY-VASCULITIS-MYOCLONUS SYNDROME. Identifiers: Orphanet 443811, MedGen C4014371, MONDO:0014353, OMIM 615816.

Submissions (2):

OMIM
Classification: Pathogenic for IMMUNODEFICIENCY 23. Last evaluated: 2014-05-01. Review status: no assertion criteria provided. Collection method: literature only. Allele origin: germline.

Centre of Chronic Immunodeficiency, Freiburg University
Classification: Pathogenic. Review status: no assertion criteria provided. Collection method: not provided. Allele origin: germline.
Comment: Hypomorphic mutation;when homozygous causes AR-HIES
ClinVar note: Converted during submission from pathogenic to Pathogenic.

Literature cited by the submitters: PubMed 3500672 (cited by OMIM); PubMed 24698316 (cited by OMIM).

NM_015599.3(PGM3):c.248T>C (p.Leu83Ser)

Gene: PGM3 (phosphoglucomutase 3; minus strand). Cytogenetic location: 6q14.1.
Variant type: single nucleotide variant.
Coding change: c.248T>C on transcript NM_015599.3 (MANE Select); coding-DNA position 248, T replaced by C.
Protein change: p.Leu83Ser; replaces leucine 83 with serine.
Molecular consequence: missense variant. On other transcripts: non-coding transcript variant (1).
Genome position (GRCh38, 1-based): chr6:83,188,755, A>G on the plus strand (T>C on the coding strand, the complement: PGM3 is on the minus strand). VCF-style: chr6-83188755-A-G. GRCh37 (hg19) VCF-style: chr6-83898474-A-G.
Other names: c.332T>C, p.Leu111Ser (NM_001199917.2, NM_001367287.1); c.5T>C, p.Leu2Ser (NM_001199918.2); c.248T>C, p.Leu83Ser (NM_001199919.2, NM_001367286.1); short protein forms L83S, L111S, L2S.
Identifiers: ClinVar variation 133320 (VCV000133320.3), dbSNP rs267608260, ClinGen allele CA156418.